The following is an entry in ClinVar:

ClinVar aggregate classification (germline): Uncertain significance (1 of 4 stars; one submission).

Conditions:
HNSHA due to aldolase A deficiency (GSD12). Also called: GLYCOGEN STORAGE DISEASE XII; GSD XII; RED CELL ALDOLASE DEFICIENCY; Glycogen storage disease due to aldolase A deficiency. Identifiers: Orphanet 57, MedGen C0272066, MONDO:0012747, OMIM 611881.

Submission:

Labcorp Genetics (formerly Invitae), Labcorp
Classification: Uncertain significance for HNSHA due to aldolase A deficiency. Last evaluated: 2025-03-05. Review status: criteria provided, single submitter. Criteria: Invitae Variant Classification Sherloc (09022015). Collection method: clinical testing. Allele origin: germline.
Comment: This sequence change replaces proline, which is neutral and non-polar, with leucine, which is neutral and non-polar, at codon 6 of the ALDOA protein (p.Pro6Leu). This variant is not present in population databases (gnomAD no frequency). This variant has not been reported in the literature in individuals affected with ALDOA-related conditions. An algorithm developed to predict the effect of missense changes on protein structure and function (PolyPhen-2) suggests that this variant is likely to be tolerated. In summary, the available evidence is currently insufficient to determine the role of this variant in disease. Therefore, it has been classified as a Variant of Uncertain Significance.

NM_001243177.4(ALDOA):c.179C>T (p.Pro60Leu)

Genes: ALDOA (aldolase, fructose-bisphosphate A; plus strand), LOC112694756 (uncharaterized LOC112694756; plus strand). Cytogenetic location: 16p11.2.
Variant type: single nucleotide variant.
Coding change: c.179C>T on transcript NM_001243177.4 (MANE Select); coding-DNA position 179, C replaced by T.
Protein change: p.Pro60Leu; replaces proline 60 with leucine.
Molecular consequence: missense variant. On other transcripts: 3 prime UTR variant (3).
Genome position (GRCh38, 1-based): chr16:30,067,271, C>T. VCF-style: chr16-30067271-C-T. GRCh37 (hg19) VCF-style: chr16-30078592-C-T.
Other names: c.*526C>T (NM_001365304.2, NM_001365305.2, NM_001365307.2); c.17C>T, p.Pro6Leu (NM_001127617.2, NM_184041.5, NM_184043.2); short protein forms P6L, P60L.
Identifiers: ClinVar variation 4706048 (VCV004706048.1).